The following is an entry in ClinVar:

ClinVar aggregate classification (germline): Uncertain significance (1 of 4 stars; one submission).

Conditions:
Cardiovascular phenotype. Identifiers: MedGen CN230736.

Submission:

Ambry Genetics
Classification: Uncertain significance for Cardiovascular phenotype. Last evaluated: 2024-11-21. Review status: criteria provided, single submitter. Criteria: Ambry Variant Classification Scheme 2023. Collection method: clinical testing. Allele origin: germline.
Comment: The p.K1427* variant (also known as c.4279A>T), located in coding exon 24 of the SCN10A gene, results from an A to T substitution at nucleotide position 4279. This changes the amino acid from a lysine to a stop codon within coding exon 24. This alteration is expected to result in loss of function by premature protein truncation or nonsense-mediated mRNA decay. However, the evidence for this gene-disease relationship is limited; therefore, the clinical significance of this alteration is unclear.

NM_006514.4(SCN10A):c.4279A>T (p.Lys1427Ter)

Gene: SCN10A (sodium voltage-gated channel alpha subunit 10; minus strand). Cytogenetic location: 3p22.2.
Variant type: single nucleotide variant.
Coding change: c.4279A>T on transcript NM_006514.4 (MANE Select); coding-DNA position 4279, A replaced by T.
Protein change: p.Lys1427Ter; replaces lysine 1427 with a stop codon.
Molecular consequence: nonsense.
Genome position (GRCh38, 1-based): chr3:38,709,480, T>A on the plus strand (A>T on the coding strand, the complement: SCN10A is on the minus strand). VCF-style: chr3-38709480-T-A. GRCh37 (hg19) VCF-style: chr3-38750971-T-A.
Other names: c.4276A>T, p.Lys1426Ter (NM_001293306.2); c.3985A>T, p.Lys1329Ter (NM_001293307.2); short protein forms K1329*, K1426*, K1427*.
Identifiers: ClinVar variation 3438150 (VCV003438150.1).